The following is an entry in ClinVar:

ClinVar aggregate classification (germline): Benign/Likely benign. Review status: criteria provided, multiple submitters, no conflicts (2 of 4 stars). 8 submissions from 8 submitters: Benign (2); Likely benign (5). 1 of the submissions does not count toward it. Last evaluated 2026-06-29.

Conditions:
POLG-related disorder. Also called: POLG-Related Spectrum Disorders; POLG-related condition; POLG-Related Disorders. Identifiers: MedGen C4763519.
Progressive sclerosing poliodystrophy (MTDPS4A). Also called: Alpers Syndrome; ALPERS DIFFUSE DEGENERATION OF CEREBRAL GRAY MATTER WITH HEPATIC CIRRHOSIS; Alpers-Huttenlocher Syndrome; Mitochondrial DNA depletion syndrome 4A (Alpers type); Mitochondrial DNA Depletion Syndrome 4A; Alpers-Huttenlocher Syndrome (AHS). Identifiers: Orphanet 726, MedGen C0205710, MONDO:0008758, OMIM 203700.

gnomAD v4.1: 67 of 1,597,996 alleles (0.0042%); highest among the groups gnomAD compares: Admixed American, 0.012%; no homozygotes.

Submissions (8):

PreventionGenetics, part of Exact Sciences
Classification: Likely benign for POLG-related condition. Last evaluated: 2026-06-29. Review status: criteria provided, single submitter. Criteria: ACMG Guidelines, 2015. Collection method: clinical testing. Allele origin: germline.
Comment: This variant is classified as likely benign based on ACMG/AMP sequence variant interpretation guidelines (Richards et al. 2015 PMID: 25741868, with internal and published modifications).

Labcorp Genetics (formerly Invitae), Labcorp
Classification: Likely benign for Progressive sclerosing poliodystrophy. Last evaluated: 2025-12-19. Review status: criteria provided, single submitter. Criteria: Invitae Variant Classification Sherloc (09022015). Collection method: clinical testing. Allele origin: germline.

CeGaT Center for Human Genetics Tuebingen
Classification: Likely benign. Last evaluated: 2025-06-01. Review status: criteria provided, single submitter. Criteria: CeGaT Center For Human Genetics Tuebingen Variant Classification Criteria Version 2. Collection method: clinical testing. Allele origin: germline. Affected: yes. Observed: 1 variant allele.
Comment: POLG: BP4, BP7

Blueprint Genetics
Classification: Likely benign. Last evaluated: 2024-10-01. Review status: criteria provided, single submitter. Criteria: ACMG Guidelines, 2015. Collection method: clinical testing. Allele origin: germline.

Wong Mito Lab, Molecular and Human Genetics, Baylor College of Medicine
Classification: Likely benign for Progressive sclerosing poliodystrophy. Last evaluated: 2018-10-01. Review status: criteria provided, single submitter. Criteria: ACMG Guidelines, 2015. Collection method: clinical testing. Allele origin: germline.
Comment: The NM_002693.2:c.159A>G (NP_002684.1:p.Gln53=) [GRCH38: NC_000015.10:g.89333596T>C] variant in POLG gene is interpretated to be a Likely Benign based on ACMG guidelines (PMID: 25741868). This variant meets the following evidence codes reported in the ACMG-guideline. BS2:Observation of the variant in controls is inconsistent with penetrance of Mitochondrial DNA depletion syndrome 4A (Alpers type). BP4:Computational evidence/predictors indicate no impact on the POLG structure, function, or protein-protein interaction. BP7:The variant is silent with non predicted splice impact. Based on the evidence criteria codes applied, the variant is suggested to be Likely Benign.

Eurofins Ntd Llc (ga)
Classification: Benign. Last evaluated: 2017-11-20. Review status: criteria provided, single submitter. Criteria: EGL Classification Definitions 2015. Collection method: clinical testing. Allele origin: germline. Observed: 2 variant alleles, 1 heterozygote.

GeneDx
Classification: Benign. Last evaluated: 2013-04-17. Review status: criteria provided, single submitter. Criteria: GeneDx Variant Classification (06012015). Collection method: clinical testing. Allele origin: germline. Affected: yes.
Comment: This variant is considered likely benign or benign based on one or more of the following criteria: it is a conservative change, it occurs at a poorly conserved position in the protein, it is predicted to be benign by multiple in silico algorithms, and/or has population frequency not consistent with disease.

Mayo Clinic Laboratories, Mayo Clinic
Classification: Likely benign. Last evaluated: 2016-02-29. Review status: no assertion criteria provided. Collection method: clinical testing. Allele origin: unknown. Not counted in ClinVar's aggregate classification.

NM_002693.3(POLG):c.159A>G (p.Gln53=)

Genes: POLG (DNA polymerase gamma, catalytic subunit; minus strand), POLGARF (POLG alternative reading frame; minus strand). Cytogenetic location: 15q26.1.
Variant type: single nucleotide variant.
Coding change: c.159A>G on transcript NM_002693.3 (MANE Select); coding-DNA position 159, A replaced by G.
Protein change: p.Gln53=; no amino-acid change (glutamine 53 retained).
Molecular consequence: synonymous variant.
Genome position (GRCh38, 1-based): chr15:89,333,596, T>C on the plus strand (A>G on the coding strand, the complement: POLG is on the minus strand). VCF-style: chr15-89333596-T-C. GRCh37 (hg19) VCF-style: chr15-89876827-T-C.
Other names: p.Q53Q:CAA>CAG; c.159A>G, p.Gln53= (NM_001126131.2).
Identifiers: ClinVar variation 138762 (VCV000138762.25), dbSNP rs587781118, ClinGen allele CA292850.
Genomic context (GRCh38, chr15:89,333,596, plus strand): 5'-TGGGTTGTGCCGCAGCTGCCCGCCCTCCGAGGATAGCACTTGCGGCTGCTGAGGCTGCTG[T>C]TGCTGCTGCTGCTGCTGCTGCTGCTGCTGCTGCCGCCGCCGCTGCCCGTCGCTGGGGTCG-3'
Protein context (NP_002684.1, residues 43-63): QQQQQQQQQQ[Gln53=]QQPQQPQVLS